The following is an entry in ClinVar:

ClinVar aggregate classification (germline): Uncertain significance (1 of 4 stars; one submission).

Allele frequency attached by ClinVar (database versions not stated): gnomAD exomes below 0.00001.
gnomAD v4.1: 1 of 1,607,484 alleles (0.000062%); highest among the groups gnomAD compares: East Asian, 0.0022%; no homozygotes.

Submission:

Labcorp Genetics (formerly Invitae), Labcorp
Classification: Uncertain significance. Last evaluated: 2023-12-02. Review status: criteria provided, single submitter. Criteria: Invitae Variant Classification Sherloc (09022015). Collection method: clinical testing. Allele origin: germline.
Comment: This sequence change replaces arginine, which is basic and polar, with isoleucine, which is neutral and non-polar, at codon 119 of the MBD4 protein (p.Arg119Ile). The frequency data for this variant in the population databases is considered unreliable, as metrics indicate poor data quality at this position in the gnomAD database. This variant has not been reported in the literature in individuals affected with MBD4-related conditions. An algorithm developed to predict the effect of missense changes on protein structure and function (PolyPhen-2) suggests that this variant is likely to be disruptive. In summary, the available evidence is currently insufficient to determine the role of this variant in disease. Therefore, it has been classified as a Variant of Uncertain Significance.

NM_001276270.2(MBD4):c.356G>T (p.Arg119Ile)

Gene: MBD4 (methyl-CpG binding domain 4, DNA glycosylase; minus strand). Cytogenetic location: 3q21.3.
Variant type: single nucleotide variant.
Coding change: c.356G>T on transcript NM_001276270.2 (MANE Select); coding-DNA position 356, G replaced by T.
Protein change: p.Arg119Ile; replaces arginine 119 with isoleucine.
Molecular consequence: missense variant. On other transcripts: intron variant (1).
Genome position (GRCh38, 1-based): chr3:129,437,288, C>A on the plus strand (G>T on the coding strand, the complement: MBD4 is on the minus strand). VCF-style: chr3-129437288-C-A. GRCh37 (hg19) VCF-style: chr3-129156131-C-A.
Other names: c.356G>T, p.Arg119Ile (NM_001276271.2, NM_001276272.2, NM_003925.3); c.247+520G>T (NM_001276273.2); short protein forms R119I.
Identifiers: ClinVar variation 2700380 (VCV002700380.3), dbSNP rs1175342571, ClinGen allele CA354468228.